The following is an entry in ClinVar:

ClinVar aggregate classification (germline): Uncertain significance (1 of 4 stars; one submission).

Submission:

Labcorp Genetics (formerly Invitae), Labcorp
Classification: Uncertain significance. Last evaluated: 2024-08-28. Review status: criteria provided, single submitter. Criteria: Invitae Variant Classification Sherloc (09022015). Collection method: clinical testing. Allele origin: germline.
Comment: This sequence change replaces alanine, which is neutral and non-polar, with proline, which is neutral and non-polar, at codon 87 of the IKZF1 protein (p.Ala87Pro). This variant is not present in population databases (gnomAD no frequency). This variant has not been reported in the literature in individuals affected with IKZF1-related conditions. ClinVar contains an entry for this variant (Variation ID: 2031583). An algorithm developed to predict the effect of missense changes on protein structure and function (PolyPhen-2) suggests that this variant is likely to be tolerated. In summary, the available evidence is currently insufficient to determine the role of this variant in disease. Therefore, it has been classified as a Variant of Uncertain Significance.

NM_006060.6(IKZF1):c.259G>C (p.Ala87Pro)

Gene: IKZF1 (IKAROS family zinc finger 1; plus strand). Cytogenetic location: 7p12.2.
Variant type: single nucleotide variant.
Coding change: c.259G>C on transcript NM_006060.6 (MANE Select); coding-DNA position 259, G replaced by C.
Protein change: p.Ala87Pro; replaces alanine 87 with proline.
Molecular consequence: missense variant. On other transcripts: intron variant (9).
Genome position (GRCh38, 1-based): chr7:50,376,631, G>C. VCF-style: chr7-50376631-G-C. GRCh37 (hg19) VCF-style: chr7-50444329-G-C.
Other names: c.259G>C, p.Ala87Pro (NM_001220765.3, NM_001220768.2, NM_001220771.2 and 1 more transcripts); c.319G>C, p.Ala107Pro (NM_001410879.1); c.161-5909G>C (NM_001291839.2, NM_001291838.2, NM_001220767.2 and 1 more transcripts); c.161-10714G>C (NM_001291841.1, NM_001291842.1); c.161-15098G>C (NM_001291843.1, NM_001291844.1); c.161-23287G>C (NM_001291840.1); short protein forms A87P, A107P.
Identifiers: ClinVar variation 2031583 (VCV002031583.4), dbSNP rs1032782282, ClinGen allele CA158212907.